The following is an entry in ClinVar:

ClinVar aggregate classification (germline): Pathogenic/Likely pathogenic. Review status: criteria provided, multiple submitters, no conflicts (2 of 4 stars). 2 submissions from 2 submitters: Pathogenic (1); Likely pathogenic (1). Last evaluated 2024-11-04.

Conditions:
Dilated cardiomyopathy 1G (CMD1G). Identifiers: Orphanet 154, MedGen C1858763, MONDO:0011400, OMIM 604145.
Autosomal recessive limb-girdle muscular dystrophy type 2J (LGMDR10). Also called: MUSCULAR DYSTROPHY, LIMB-GIRDLE, AUTOSOMAL RECESSIVE 10; Limb-girdle muscular dystrophy, type 2J. Identifiers: Orphanet 140922, MedGen C1837342, MONDO:0012127, OMIM 608807.

Submissions (2):

Labcorp Genetics (formerly Invitae), Labcorp
Classification: Likely pathogenic for Dilated cardiomyopathy 1G; Autosomal recessive limb-girdle muscular dystrophy type 2J. Last evaluated: 2024-11-04. Review status: criteria provided, single submitter. Criteria: Invitae Variant Classification Sherloc (09022015). Collection method: clinical testing. Allele origin: germline.
Comment: This sequence change creates a premature translational stop signal (p.Gln20041*) in the TTN gene. While this is not anticipated to result in nonsense mediated decay, it is expected to create a truncated TTN protein. This variant is not present in population databases (gnomAD no frequency). This premature translational stop signal has been observed in individual(s) with dilated cardiomyopathy (internal data). ClinVar contains an entry for this variant (Variation ID: 202396). This variant is located in the A band of TTN (PMID: 25589632). Truncating variants in this region are significantly overrepresented in patients affected with dilated cardiomyopathy (PMID: 25589632). Truncating variants in this region have also been reported in individuals affected with autosomal recessive centronuclear myopathy (PMID: 23975875). In summary, the currently available evidence indicates that the variant is pathogenic, but additional data are needed to prove that conclusively. Therefore, this variant has been classified as Likely Pathogenic.

GeneDx
Classification: Pathogenic. Last evaluated: 2013-08-12. Review status: criteria provided, single submitter. Criteria: GeneDx Variant Classification (06012015). Collection method: clinical testing. Allele origin: germline. Affected: yes.
Comment: p.Gln18400Stop (CAA>TAA): c.55198 C>T in exon 253 of the TTN gene (NM_001256850.1). The Gln18400Stop mutation in the TTN gene has not been reported previously as a disease-causing mutation or as a benign polymorphism, to our knowledge. Gln18400Stop is predicted to cause loss of normal protein function either due to production of an abnormal, prematurely truncated protein, or by absence of protein product due to nonsense mediated mRNA decay. Other truncating TTN variants have been reported in approximately 3% of control alleles (Herman D et al., 2012). However, Gln18400Stop is located in the A-band region of titin, where the majority of truncating mutations associated with DCM have been reported (Herman D et al., 2012). Furthermore, Gln18400Stop was not observed in approximately 6500 individuals of European and African American ancestry in the NHLBI Exome Sequencing Project, indicating it is not a common benign variant in these populations. In summary, Gln18400Stop in the TTN gene is interpreted as a disease-causing mutation. The variant is found in DCM panel(s).

Literature cited by the submitters: PubMed 25589632 (cited by Labcorp Genetics (formerly Invitae), Labcorp); PubMed 23975875 (cited by Labcorp Genetics (formerly Invitae), Labcorp).

NM_001267550.2(TTN):c.60121C>T (p.Gln20041Ter)

Genes: TTN (titin; minus strand), TTN-AS1 (TTN antisense RNA 1; plus strand), LOC126806424 (CDK7 strongly-dependent group 2 enhancer GRCh37_chr2:179456337-179457536; plus strand). Cytogenetic location: 2q31.2.
Variant type: single nucleotide variant.
Coding change: c.60121C>T on transcript NM_001267550.2 (MANE Select); coding-DNA position 60121, C replaced by T.
Protein change: p.Gln20041Ter; replaces glutamine 20041 with a stop codon.
Molecular consequence: nonsense.
Genome position (GRCh38, 1-based): chr2:178,591,698, G>A on the plus strand (C>T on the coding strand, the complement: TTN is on the minus strand). VCF-style: chr2-178591698-G-A. GRCh37 (hg19) VCF-style: chr2-179456425-G-A.
Other names: p.Q18400*:CAA>TAA; c.55198C>T, p.Gln18400Ter (NM_001256850.1); c.32926C>T, p.Gln10976Ter (NM_003319.4); c.52417C>T, p.Gln17473Ter (NM_133378.4); c.33301C>T, p.Gln11101Ter (NM_133432.3); c.33502C>T, p.Gln11168Ter (NM_133437.4); short protein forms Q18400*, Q20041*, Q11101*, Q17473*, Q11168*, Q10976*.
Identifiers: ClinVar variation 202396 (VCV000202396.9), dbSNP rs794729277, ClinGen allele CA309287.